The following is an entry in ClinVar:

NM_000179.3(MSH6):c.3752_3770dup (p.Gln1258fs)

Gene: MSH6 (mutS homolog 6; plus strand). Cytogenetic location: 2p16.3.
Variant type: Duplication.
Coding change: c.3752_3770dup on transcript NM_000179.3 (MANE Select); coding-DNA positions 3752 to 3770, 19 bases duplicated (CATTAGTAGAAGATTATTC).
Protein change: p.Gln1258fs; shifts the reading frame from glutamine 1258.
Molecular consequence: frameshift variant. On other transcripts: non-coding transcript variant (5).
Genome position (GRCh38, 1-based): chr2:47,806,309-47,806,327, CATTAGTAGAAGATTATTC duplicated. VCF-style (leftmost placement, unchanged base first): chr2-47806308-T-TCATTAGTAGAAGATTATTC. GRCh37 (hg19) VCF-style: chr2-48033447-T-TCATTAGTAGAAGATTATTC.
Other names: c.3362_3380dup, p.Gln1128fs (NM_001281492.2); c.2846_2864dup, p.Gln956fs (NM_001281493.2, NM_001281494.2, NM_001406811.1 and 6 more transcripts); c.3848_3866dup, p.Gln1290fs (NM_001406795.1, NM_001406802.1); c.3752_3770dup, p.Gln1258fs (NM_001406796.1, NM_001406800.1, NM_001406808.1 and 1 more transcripts); c.3455_3473dup, p.Gln1159fs (NM_001406797.1, NM_001406801.1, NM_001406805.1 and 10 more transcripts); c.3578_3596dup, p.Gln1200fs (NM_001406798.1); c.3227_3245dup, p.Gln1083fs (NM_001406799.1, NM_001406806.1, NM_001406807.1); c.2888_2906dup, p.Gln970fs (NM_001406803.1); and 7 more; short protein forms Q1260fs, Q207fs, Q1128fs, Q1202fs, Q573fs, Q1083fs, Q1159fs, Q1200fs.
Identifiers: ClinVar variation 2814189 (VCV002814189.3), dbSNP rs2530845890, ClinGen allele CA2739274381.

ClinVar aggregate classification (germline): Pathogenic (1 of 4 stars; one submission).

Conditions:
Hereditary nonpolyposis colorectal neoplasms. Identifiers: MedGen C0009405, MeSH D003123.

Submission:

Labcorp Genetics (formerly Invitae), Labcorp
Classification: Pathogenic for Hereditary nonpolyposis colorectal neoplasms. Last evaluated: 2022-11-14. Review status: criteria provided, single submitter. Criteria: Invitae Variant Classification Sherloc (09022015). Collection method: clinical testing. Allele origin: germline.
Comment: This sequence change creates a premature translational stop signal (p.Gln1258Ilefs*23) in the MSH6 gene. It is expected to result in an absent or disrupted protein product. Loss-of-function variants in MSH6 are known to be pathogenic (PMID: 18269114, 24362816). This variant is not present in population databases (gnomAD no frequency). This variant has not been reported in the literature in individuals affected with MSH6-related conditions. For these reasons, this variant has been classified as Pathogenic.

Literature cited by the submitters: PubMed 18269114; PubMed 24362816.